The following is an entry in ClinVar:

NM_001267550.2(TTN):c.62184C>A (p.Tyr20728Ter)

Genes: TTN-AS1 (TTN antisense RNA 1; plus strand), TTN (titin; minus strand). Cytogenetic location: 2q31.2.
Variant type: single nucleotide variant.
Coding change: c.62184C>A on transcript NM_001267550.2 (MANE Select); coding-DNA position 62184, C replaced by A.
Protein change: p.Tyr20728Ter; replaces tyrosine 20728 with a stop codon.
Molecular consequence: nonsense.
Genome position (GRCh38, 1-based): chr2:178,589,541, G>T on the plus strand (C>A on the coding strand, the complement: TTN is on the minus strand). VCF-style: chr2-178589541-G-T. GRCh37 (hg19) VCF-style: chr2-179454268-G-T.
Other names: c.57261C>A, p.Tyr19087Ter (NM_001256850.1); c.34989C>A, p.Tyr11663Ter (NM_003319.4); c.54480C>A, p.Tyr18160Ter (NM_133378.4); c.35364C>A, p.Tyr11788Ter (NM_133432.3); c.35565C>A, p.Tyr11855Ter (NM_133437.4); short protein forms Y11663*, Y11855*, Y11788*, Y20728*, Y18160*, Y19087*.
Identifiers: ClinVar variation 2944574 (VCV002944574.3), dbSNP rs2469398533, ClinGen allele CA349465641.
Genomic context (GRCh38, chr2:178,589,541, plus strand): 5'-TTCATTCTTTGTTTGCACTCTGAACTCATAAATCTGGTTTTCAACACATCTGTCAACCAT[G>T]TAGTGAGTTTCTTTAATGCTTCCTTTATGCACTCTTTCCCAGTCATCGGAGCCCTTAAGC-3'

ClinVar aggregate classification (germline): Likely pathogenic (1 of 4 stars; one submission).

Conditions:
Dilated cardiomyopathy 1G (CMD1G). Identifiers: Orphanet 154, MedGen C1858763, MONDO:0011400, OMIM 604145.
Autosomal recessive limb-girdle muscular dystrophy type 2J (LGMDR10). Also called: Limb-girdle muscular dystrophy, type 2J; MUSCULAR DYSTROPHY, LIMB-GIRDLE, AUTOSOMAL RECESSIVE 10. Identifiers: Orphanet 140922, MedGen C1837342, MONDO:0012127, OMIM 608807.

Submission:

Labcorp Genetics (formerly Invitae), Labcorp
Classification: Likely pathogenic for Dilated cardiomyopathy 1G; Autosomal recessive limb-girdle muscular dystrophy type 2J. Last evaluated: 2023-02-21. Review status: criteria provided, single submitter. Criteria: Invitae Variant Classification Sherloc (09022015). Collection method: clinical testing. Allele origin: germline.
Comment: In summary, the currently available evidence indicates that the variant is pathogenic, but additional data are needed to prove that conclusively. Therefore, this variant has been classified as Likely Pathogenic. This variant is located in the A band of TTN (PMID: 25589632). Truncating variants in this region are significantly overrepresented in patients affected with dilated cardiomyopathy (PMID: 25589632). Truncating variants in this region have also been reported in individuals affected with autosomal recessive centronuclear myopathy (PMID: 23975875). This variant has not been reported in the literature in individuals affected with TTN-related conditions. This variant is not present in population databases (gnomAD no frequency). This sequence change creates a premature translational stop signal (p.Tyr20728*) in the TTN gene. While this is not anticipated to result in nonsense mediated decay, it is expected to create a truncated TTN protein.

Literature cited by the submitters: PubMed 25589632; PubMed 23975875.